The following is an entry in ClinVar:

ClinVar aggregate classification (germline): Uncertain significance. Review status: criteria provided, multiple submitters, no conflicts (2 of 4 stars). 2 submissions from 2 submitters: Uncertain significance (2). Last evaluated 2025-05-28.

Conditions:
Familial thoracic aortic aneurysm and aortic dissection (TAAD). Also called: Thoracic aortic aneurysms and dissections. Identifiers: Orphanet 91387, MedGen C4707243, MONDO:0019625.
Marfan syndrome (MFS). Also called: MARFAN SYNDROME, TYPE I; Marfan syndrome type 1; Marfan's syndrome; Marfan syndrome, classic; FBN1-Related Marfan Syndrome. Identifiers: Orphanet 284963, Orphanet 558, MedGen C0024796, MONDO:0007947, OMIM 154700.

Allele frequency attached by ClinVar (database versions not stated): gnomAD 0.00001; gnomAD exomes below 0.00001; TOPMed 0.00001.
gnomAD v4.1: 3 of 1,613,996 alleles (0.00019%); highest among the groups gnomAD compares: Admixed American, 0.005%; no homozygotes.

Submissions (2):

Ambry Genetics
Classification: Uncertain significance for Familial thoracic aortic aneurysm and aortic dissection. Last evaluated: 2025-05-28. Review status: criteria provided, single submitter. Criteria: Ambry Variant Classification Scheme 2023. Collection method: clinical testing. Allele origin: germline.
Comment: The p.E375D variant (also known as c.1125G>T), located in coding exon 9 of the FBN1 gene, results from a G to T substitution at nucleotide position 1125. The glutamic acid at codon 375 is replaced by aspartic acid, an amino acid with highly similar properties. This amino acid position is highly conserved in available vertebrate species. In addition, the in silico prediction for this alteration is inconclusive. Based on the available evidence, the clinical significance of this variant remains unclear.

Labcorp Genetics (formerly Invitae), Labcorp
Classification: Uncertain significance for Marfan syndrome; Familial thoracic aortic aneurysm and aortic dissection. Last evaluated: 2022-01-16. Review status: criteria provided, single submitter. Criteria: Invitae Variant Classification Sherloc (09022015). Collection method: clinical testing. Allele origin: germline.
Comment: This variant has not been reported in the literature in individuals affected with FBN1-related conditions. Algorithms developed to predict the effect of missense changes on protein structure and function (SIFT, PolyPhen-2, Align-GVGD) all suggest that this variant is likely to be tolerated. This variant is not present in population databases (gnomAD no frequency). In summary, the available evidence is currently insufficient to determine the role of this variant in disease. Therefore, it has been classified as a Variant of Uncertain Significance. This sequence change replaces glutamic acid, which is acidic and polar, with aspartic acid, which is acidic and polar, at codon 375 of the FBN1 protein (p.Glu375Asp).

NM_000138.5(FBN1):c.1125G>T (p.Glu375Asp)

Genes: FBN1 (fibrillin 1; minus strand), LOC113939944 (Sharpr-MPRA regulatory region 9539; plus strand). Cytogenetic location: 15q21.1.
Variant type: single nucleotide variant.
Coding change: c.1125G>T on transcript NM_000138.5 (MANE Select); coding-DNA position 1125, G replaced by T.
Protein change: p.Glu375Asp; replaces glutamic acid 375 with aspartic acid.
Molecular consequence: missense variant.
Genome position (GRCh38, 1-based): chr15:48,520,681, C>A on the plus strand (G>T on the coding strand, the complement: FBN1 is on the minus strand). VCF-style: chr15-48520681-C-A. GRCh37 (hg19) VCF-style: chr15-48812878-C-A.
Other names: c.1125G>T, p.Glu375Asp (NM_001406716.1); short protein forms E375D.
Identifiers: ClinVar variation 2153030 (VCV002153030.5), dbSNP rs2043845159, ClinGen allele CA392347160.